The following is an entry in ClinVar:

ClinVar aggregate classification (germline): Conflicting classifications of pathogenicity. Review status: criteria provided, conflicting classifications (1 of 4 stars). 2 submissions from 2 submitters: Likely pathogenic (1); Uncertain significance (1). Last evaluated 2023-12-11.

Allele frequency attached by ClinVar (database versions not stated): gnomAD exomes 0.00002 and 0.00004; TOPMed 0.00003; gnomAD 0.00004.
gnomAD v4.1: 51 of 1,203,823 alleles (0.0042%); highest among the groups gnomAD compares: Non-Finnish European, 0.0054%; no homozygotes.

Submissions (2):

Labcorp Genetics (formerly Invitae), Labcorp
Classification: Uncertain significance. Last evaluated: 2023-12-11. Review status: criteria provided, single submitter. Criteria: Invitae Variant Classification Sherloc (09022015). Collection method: clinical testing. Allele origin: germline.
Comment: This sequence change replaces glycine, which is neutral and non-polar, with serine, which is neutral and polar, at codon 291 of the ABCB7 protein (p.Gly291Ser). This variant is present in population databases (no rsID available, gnomAD 0.003%), including at least one homozygous and/or hemizygous individual. This variant has not been reported in the literature in individuals affected with ABCB7-related conditions. ClinVar contains an entry for this variant (Variation ID: 213988). An algorithm developed to predict the effect of missense changes on protein structure and function (PolyPhen-2) suggests that this variant is likely to be disruptive. Algorithms developed to predict the effect of sequence changes on RNA splicing suggest that this variant may disrupt the consensus splice site. In summary, the available evidence is currently insufficient to determine the role of this variant in disease. Therefore, it has been classified as a Variant of Uncertain Significance.

GeneDx
Classification: Likely pathogenic. Last evaluated: 2014-12-16. Review status: criteria provided, single submitter. Criteria: GeneDx Variant Classification (06012015). Collection method: clinical testing. Allele origin: germline. Affected: yes.
Comment: p.Gly291Ser (GGT>AGT): c.871 G>A in exon 7 of the ABCB7 gene (NM_004299.3). The G291S variant that is likely pathogenic was identified in the ABCB7 gene. It has not been published as a mutation, nor has it been reported as a benign polymorphism to our knowledge. The G291S variant was not observed in approximately 6500 individuals of European and African American ancestry in the NHLBI Exome Sequencing Project, indicating it is not a common benign variant in these populations. The G291S variant is a non-conservative amino acid substitution, which is likely to impact secondary protein structure as these residues differ in polarity, charge, size and/or other properties. This substitution occurs at a position that is highly conserved across species. In silico analysis predicts this variant is probably damaging to the protein structure/function. Therefore, this variant is a strong candidate for a pathogenic mutation, however the possibility that it is a benign variant cannot be excluded. The variant is found in MITONUC-MITOP panel(s).

NM_001271696.3(ABCB7):c.868G>A (p.Gly290Ser)

Gene: ABCB7 (ATP binding cassette subfamily B member 7; minus strand). Cytogenetic location: Xq13.3.
Variant type: single nucleotide variant.
Coding change: c.868G>A on transcript NM_001271696.3 (MANE Select); coding-DNA position 868, G replaced by A.
Protein change: p.Gly290Ser; replaces glycine 290 with serine.
Molecular consequence: missense variant.
Genome position (GRCh38, 1-based): chrX:75,073,944, C>T on the plus strand (G>A on the coding strand, the complement: ABCB7 is on the minus strand). VCF-style: chrX-75073944-C-T. GRCh37 (hg19) VCF-style: chrX-74293779-C-T.
Other names: p.G291S:GGT>AGT; c.748G>A, p.Gly250Ser (NM_001271697.3); c.790G>A, p.Gly264Ser (NM_001271698.3); c.751G>A, p.Gly251Ser (NM_001271699.3); c.871G>A, p.Gly291Ser (NM_004299.6); short protein forms G291S, G290S, G250S, G251S, G264S.
Identifiers: ClinVar variation 213988 (VCV000213988.5), dbSNP rs1133577, ClinGen allele CA324077.